The following is an entry in ClinVar:

ClinVar aggregate classification (germline): Conflicting classifications of pathogenicity. Review status: criteria provided, conflicting classifications (1 of 4 stars). 2 submissions from 2 submitters: Uncertain significance (1); Likely benign (1). Last evaluated 2025-05-01.

Conditions:
Hereditary cancer-predisposing syndrome. Also called: Neoplastic Syndromes, Hereditary; Hereditary neoplastic syndrome; Tumor predisposition; Hereditary Cancer Syndrome. Identifiers: Orphanet 140162, MedGen C0027672, MeSH D009386, MONDO:0015356.
Gorlin syndrome. Also called: Nevoid Basal Cell Carcinoma Syndrome; Basal cell nevus syndrome. Identifiers: Orphanet 377, MedGen C0004779, MONDO:0007187.

Allele frequency attached by ClinVar (database versions not stated): gnomAD exomes below 0.00001; TOPMed below 0.00001; ExAC 0.00001; gnomAD 0.00001.
gnomAD v4.1: 4 of 1,614,026 alleles (0.00025%); highest among the groups gnomAD compares: Non-Finnish European, 0.00034%; no homozygotes.

Submissions (2):

Labcorp Genetics (formerly Invitae), Labcorp
Classification: Likely benign for Gorlin syndrome. Last evaluated: 2025-05-01. Review status: criteria provided, single submitter. Criteria: Invitae Variant Classification Sherloc (09022015). Collection method: clinical testing. Allele origin: germline.

Ambry Genetics
Classification: Uncertain significance for Hereditary cancer-predisposing syndrome. Last evaluated: 2024-05-19. Review status: criteria provided, single submitter. Criteria: Ambry Variant Classification Scheme 2023. Collection method: clinical testing. Allele origin: germline.
Comment: The p.E947Q variant (also known as c.2839G>C), located in coding exon 17 of the PTCH1 gene, results from a G to C substitution at nucleotide position 2839. The glutamic acid at codon 947 is replaced by glutamine, an amino acid with highly similar properties. This amino acid position is highly conserved in available vertebrate species. In addition, this alteration is predicted to be deleterious by in silico analysis. Since supporting evidence is limited at this time, the clinical significance of this alteration remains unclear.

NM_000264.5(PTCH1):c.2839G>C (p.Glu947Gln)

Gene: PTCH1 (patched 1; minus strand). Cytogenetic location: 9q22.32.
Variant type: single nucleotide variant.
Coding change: c.2839G>C on transcript NM_000264.5 (MANE Select); coding-DNA position 2839, G replaced by C.
Protein change: p.Glu947Gln; replaces glutamic acid 947 with glutamine.
Molecular consequence: missense variant. On other transcripts: non-coding transcript variant (1).
Genome position (GRCh38, 1-based): chr9:95,459,648, C>G on the plus strand (G>C on the coding strand, the complement: PTCH1 is on the minus strand). VCF-style: chr9-95459648-C-G. GRCh37 (hg19) VCF-style: chr9-98221930-C-G.
Other names: c.2641G>C, p.Glu881Gln (NM_001083602.3); c.2836G>C, p.Glu946Gln (NM_001083603.3); c.2386G>C, p.Glu796Gln (NM_001083604.3, NM_001083605.3, NM_001083606.3 and 1 more transcripts); c.2683G>C, p.Glu895Gln (NM_001354918.2); short protein forms E796Q, E895Q, E881Q, E946Q, E947Q.
Identifiers: ClinVar variation 665804 (VCV000665804.14), dbSNP rs768039033, ClinGen allele CA5138317.